The following is an entry in ClinVar:

ClinVar aggregate classification (germline): Uncertain significance (1 of 4 stars; one submission).

Conditions:
Hereditary cancer-predisposing syndrome. Also called: Hereditary Cancer Syndrome; Neoplastic Syndromes, Hereditary; Tumor predisposition; Hereditary neoplastic syndrome. Identifiers: Orphanet 140162, MedGen C0027672, MeSH D009386, MONDO:0015356.

Submission:

Ambry Genetics
Classification: Uncertain significance for Hereditary cancer-predisposing syndrome. Last evaluated: 2024-02-20. Review status: criteria provided, single submitter. Criteria: Ambry Variant Classification Scheme 2023. Collection method: clinical testing. Allele origin: germline.
Comment: The p.L1668R variant (also known as c.5003T>G), located in coding exon 32 of the ATM gene, results from a T to G substitution at nucleotide position 5003. The leucine at codon 1668 is replaced by arginine, an amino acid with dissimilar properties. This amino acid position is conserved. In addition, this alteration is predicted to be deleterious by in silico analysis. Since supporting evidence is limited at this time, the clinical significance of this alteration remains unclear.

NM_000051.4(ATM):c.5003T>G (p.Leu1668Arg)

Gene: ATM (ATM serine/threonine kinase; plus strand). Cytogenetic location: 11q22.3.
Variant type: single nucleotide variant.
Coding change: c.5003T>G on transcript NM_000051.4 (MANE Select); coding-DNA position 5003, T replaced by G.
Protein change: p.Leu1668Arg; replaces leucine 1668 with arginine.
Molecular consequence: missense variant.
Genome position (GRCh38, 1-based): chr11:108,297,380, T>G. VCF-style: chr11-108297380-T-G. GRCh37 (hg19) VCF-style: chr11-108168107-T-G.
Other names: c.5003T>G, p.Leu1668Arg (NM_001351834.2); short protein forms L1668R.
Identifiers: ClinVar variation 1744731 (VCV001744731.2), dbSNP rs2135864085, ClinGen allele CA382538594.